The following is an entry in ClinVar:

NM_177438.3(DICER1):c.4395G>T (p.Lys1465Asn)

Gene: DICER1 (dicer 1, ribonuclease III; minus strand). Cytogenetic location: 14q32.13.
Variant type: single nucleotide variant.
Coding change: c.4395G>T on transcript NM_177438.3 (MANE Select); coding-DNA position 4395, G replaced by T.
Protein change: p.Lys1465Asn; replaces lysine 1465 with asparagine.
Molecular consequence: missense variant. On other transcripts: non-coding transcript variant (6).
Genome position (GRCh38, 1-based): chr14:95,096,525, C>A on the plus strand (G>T on the coding strand, the complement: DICER1 is on the minus strand). VCF-style: chr14-95096525-C-A. GRCh37 (hg19) VCF-style: chr14-95562862-C-A.
Other names: c.3828G>T, p.Lys1276Asn (NM_001395691.1); c.4395G>T, p.Lys1465Asn (NM_001395692.1, NM_001395693.1, NM_001395694.1 and 12 more transcripts); c.3990G>T, p.Lys1330Asn (NM_001395696.1, NM_001395687.1, NM_001395688.1 and 2 more transcripts); c.2712G>T, p.Lys904Asn (NM_001395697.1); c.4113G>T, p.Lys1371Asn (NM_001395686.1); short protein forms K1465N, K904N, K1276N, K1330N, K1371N.
Identifiers: ClinVar variation 4746786 (VCV004746786.1).

ClinVar aggregate classification (germline): Uncertain significance (1 of 4 stars; one submission).

Conditions:
DICER1-related tumor predisposition. Also called: DICER1-related pleuropulmonary blastoma cancer predisposition syndrome; DICER1 syndrome. Identifiers: Orphanet 284343, MedGen C3839822, MONDO:0100216.

Submission:

Labcorp Genetics (formerly Invitae), Labcorp
Classification: Uncertain significance for DICER1-related tumor predisposition. Last evaluated: 2025-09-16. Review status: criteria provided, single submitter. Criteria: Invitae Variant Classification Sherloc (09022015). Collection method: clinical testing. Allele origin: germline.
Comment: This sequence change replaces lysine, which is basic and polar, with asparagine, which is neutral and polar, at codon 1465 of the DICER1 protein (p.Lys1465Asn). This variant is not present in population databases (gnomAD no frequency). This variant has not been reported in the literature in individuals affected with DICER1-related conditions. Invitae Evidence Modeling of protein sequence and biophysical properties (such as structural, functional, and spatial information, amino acid conservation, physicochemical variation, residue mobility, and thermodynamic stability) indicates that this missense variant is not expected to disrupt DICER1 protein function with a negative predictive value of 95%. In summary, the available evidence is currently insufficient to determine the role of this variant in disease. Therefore, it has been classified as a Variant of Uncertain Significance.